The following is an entry in ClinVar:

ClinVar aggregate classification (germline): Uncertain significance. Review status: criteria provided, multiple submitters, no conflicts (2 of 4 stars). 3 submissions from 3 submitters: Uncertain significance (2). 1 of the submissions does not count toward it. Last evaluated 2022-02-16.

Conditions:
Idiopathic Pulmonary Fibrosis. Also called: Idiopathic fibrosing alveolitis, chronic form; idiopathic fibrosing alveolitis. Identifiers: Orphanet 2032, MedGen C1800706, MeSH D054990, MONDO:0800504.
Dyskeratosis congenita, autosomal dominant 2. Identifiers: MedGen C3151443, MONDO:0013521, OMIM 613989.

Submissions (3):

Blueprint Genetics
Classification: Uncertain significance. Last evaluated: 2022-02-16. Review status: criteria provided, single submitter. Criteria: ACMG Guidelines, 2015. Collection method: clinical testing. Allele origin: germline.

Labcorp Genetics (formerly Invitae), Labcorp
Classification: Uncertain significance for Dyskeratosis congenita, autosomal dominant 2; Idiopathic Pulmonary Fibrosis. Last evaluated: 2020-11-16. Review status: criteria provided, single submitter. Criteria: Invitae Variant Classification Sherloc (09022015). Collection method: clinical testing. Allele origin: germline.
Comment: Advanced modeling of protein sequence and biophysical properties (such as structural, functional, and spatial information, amino acid conservation, physicochemical variation, residue mobility, and thermodynamic stability) performed at Invitae indicates that this missense variant is expected to disrupt TERT protein function. This variant has been observed in individual(s) with chronic hypersensitivity pneumonitis (PMID: 31268371). The frequency data for this variant in the population databases is considered unreliable, as metrics indicate insufficient coverage at this position in the ExAC database. This sequence change replaces cysteine with tyrosine at codon 54 of the TERT protein (p.Cys54Tyr). The cysteine residue is moderately conserved and there is a large physicochemical difference between cysteine and tyrosine. In summary, the available evidence is currently insufficient to determine the role of this variant in disease. Therefore, it has been classified as a Variant of Uncertain Significance.

Genetic Services Laboratory, University of Chicago
Classification: Uncertain significance. Last evaluated: 2022-08-27. Review status: no assertion criteria provided. Collection method: clinical testing. Allele origin: germline. Affected: no. Not counted in ClinVar's aggregate classification.
Comment: DNA sequence analysis of the TERT gene demonstrated a sequence change, c.161G>A, in exon 1 that results in an amino acid change, p.Cys54Tyr. This sequence change has not been described in population databases such as ExAC and gnomAD. The p.Cys54Tyr change affects a poorly conserved amino acid residue located in a domain of the TERT protein that is not known to be functional. In-silico pathogenicity prediction tools (SIFT, PolyPhen2, Align GVGD, REVEL) provide contradictory results for the p.Cys54Tyr substitution. This variant has been reported in one individual with chronic hypersensitive pneumonitis (PMID: 31268371). Due to insufficient evidences and the lack of functional studies, the clinical significance of the p.Cys54Tyr change remains unknown at this time.

Literature cited by the submitters: PubMed 31268371 (cited by Labcorp Genetics (formerly Invitae), Labcorp).

NM_198253.3(TERT):c.161G>A (p.Cys54Tyr)

Genes: TERT (telomerase reverse transcriptase; minus strand), LOC110806263 (TERT 5' regulatory region; plus strand). Cytogenetic location: 5p15.33.
Variant type: single nucleotide variant.
Coding change: c.161G>A on transcript NM_198253.3 (MANE Select); coding-DNA position 161, G replaced by A.
Protein change: p.Cys54Tyr; replaces cysteine 54 with tyrosine.
Molecular consequence: missense variant. On other transcripts: non-coding transcript variant (2).
Genome position (GRCh38, 1-based): chr5:1,294,829, C>T on the plus strand (G>A on the coding strand, the complement: TERT is on the minus strand). VCF-style: chr5-1294829-C-T. GRCh37 (hg19) VCF-style: chr5-1294944-C-T.
Other names: c.161G>A, p.Cys54Tyr (NM_001193376.3); c.161G>A (NM_198253.2); short protein forms C54Y.
Identifiers: ClinVar variation 1503376 (VCV001503376.47), dbSNP rs2126691594, ClinGen allele CA359058993.